The following is an entry in ClinVar:

ClinVar aggregate classification (germline): Uncertain significance (1 of 4 stars; one submission).

gnomAD v4.1: 1 of 1,613,932 alleles (0.000062%); highest among the groups gnomAD compares: Non-Finnish European, 0.000085%; no homozygotes.

Submission:

GeneDx
Classification: Uncertain significance. Last evaluated: 2026-10-14. Review status: criteria provided, single submitter. Criteria: GeneDx Variant Classification Process June 2021. Collection method: clinical testing. Allele origin: germline.
Comment: Not observed at significant frequency in large population cohorts (gnomAD); In silico analysis supports that this missense variant has a deleterious effect on protein structure/function; Has not been previously published as pathogenic or benign to our knowledge

NM_001003800.2(BICD2):c.1007T>C (p.Leu336Pro)

Gene: BICD2 (BICD cargo adaptor 2; minus strand). Cytogenetic location: 9q22.31.
Variant type: single nucleotide variant.
Coding change: c.1007T>C on transcript NM_001003800.2 (MANE Select); coding-DNA position 1007, T replaced by C.
Protein change: p.Leu336Pro; replaces leucine 336 with proline.
Molecular consequence: missense variant.
Genome position (GRCh38, 1-based): chr9:92,720,355, A>G on the plus strand (T>C on the coding strand, the complement: BICD2 is on the minus strand). VCF-style: chr9-92720355-A-G. GRCh37 (hg19) VCF-style: chr9-95482637-A-G.
Other names: c.1007T>C, p.Leu336Pro (NM_015250.4); short protein forms L336P.
Identifiers: ClinVar variation 3776464 (VCV003776464.2).